The following is an entry in ClinVar:

NM_001365951.3(KIF1B):c.3301G>C (p.Glu1101Gln)

Gene: KIF1B (kinesin family member 1B; plus strand). Cytogenetic location: 1p36.22.
Variant type: single nucleotide variant.
Coding change: c.3301G>C on transcript NM_001365951.3 (MANE Select); coding-DNA position 3301, G replaced by C.
Protein change: p.Glu1101Gln; replaces glutamic acid 1101 with glutamine.
Molecular consequence: missense variant.
Genome position (GRCh38, 1-based): chr1:10,337,412, G>C. VCF-style: chr1-10337412-G-C. GRCh37 (hg19) VCF-style: chr1-10397470-G-C.
Other names: c.3301G>C, p.Glu1101Gln (NM_001365952.1); c.3163G>C, p.Glu1055Gln (NM_015074.3); short protein forms E1101Q, E1055Q.
Identifiers: ClinVar variation 1728338 (VCV001728338.2), dbSNP rs2521721667, ClinGen allele CA338340393.

ClinVar aggregate classification (germline): Uncertain significance (1 of 4 stars; one submission).

Submission:

Ambry Genetics
Classification: Uncertain significance. Last evaluated: 2021-06-23. Review status: criteria provided, single submitter. Criteria: Ambry Variant Classification Scheme 2023. Collection method: clinical testing. Allele origin: germline.
Comment: The p.E1055Q variant (also known as c.3163G>C), located in coding exon 28 of the KIF1B gene, results from a G to C substitution at nucleotide position 3163. The glutamic acid at codon 1055 is replaced by glutamine, an amino acid with highly similar properties. This amino acid position is conserved. In addition, the in silico prediction for this alteration is inconclusive. Since supporting evidence is limited at this time, the clinical significance of this alteration remains unclear.